The following is an entry in ClinVar:

ClinVar aggregate classification (germline): Likely pathogenic (1 of 4 stars; one submission).

Conditions:
Dilated cardiomyopathy 1G (CMD1G). Identifiers: Orphanet 154, MedGen C1858763, MONDO:0011400, OMIM 604145.
Autosomal recessive limb-girdle muscular dystrophy type 2J (LGMDR10). Also called: MUSCULAR DYSTROPHY, LIMB-GIRDLE, AUTOSOMAL RECESSIVE 10; Limb-girdle muscular dystrophy, type 2J. Identifiers: Orphanet 140922, MedGen C1837342, MONDO:0012127, OMIM 608807.

Submission:

Labcorp Genetics (formerly Invitae), Labcorp
Classification: Likely pathogenic for Dilated cardiomyopathy 1G; Autosomal recessive limb-girdle muscular dystrophy type 2J. Last evaluated: 2022-05-31. Review status: criteria provided, single submitter. Criteria: Invitae Variant Classification Sherloc (09022015). Collection method: clinical testing. Allele origin: germline.
Comment: This sequence change creates a premature translational stop signal (p.Arg24563*) in the TTN gene. While this is not anticipated to result in nonsense mediated decay, it is expected to create a truncated TTN protein. This variant is not present in population databases (gnomAD no frequency). This variant has not been reported in the literature in individuals affected with TTN-related conditions. This variant is located in the A band of TTN (PMID: 25589632). Truncating variants in this region are significantly overrepresented in patients affected with dilated cardiomyopathy (PMID: 25589632). Truncating variants in this region have also been reported in individuals affected with autosomal recessive centronuclear myopathy (PMID: 23975875). In summary, the currently available evidence indicates that the variant is pathogenic, but additional data are needed to prove that conclusively. Therefore, this variant has been classified as Likely Pathogenic.

Literature cited by the submitters: PubMed 25589632; PubMed 23975875.

NM_001267550.2(TTN):c.73687A>T (p.Arg24563Ter)

Genes: TTN-AS1 (TTN antisense RNA 1; plus strand), TTN (titin; minus strand). Cytogenetic location: 2q31.2.
Variant type: single nucleotide variant.
Coding change: c.73687A>T on transcript NM_001267550.2 (MANE Select); coding-DNA position 73687, A replaced by T.
Protein change: p.Arg24563Ter; replaces arginine 24563 with a stop codon.
Molecular consequence: nonsense.
Genome position (GRCh38, 1-based): chr2:178,572,445, T>A on the plus strand (A>T on the coding strand, the complement: TTN is on the minus strand). VCF-style: chr2-178572445-T-A. GRCh37 (hg19) VCF-style: chr2-179437172-T-A.
Other names: c.68764A>T, p.Arg22922Ter (NM_001256850.1); c.46492A>T, p.Arg15498Ter (NM_003319.4); c.65983A>T, p.Arg21995Ter (NM_133378.4); c.46867A>T, p.Arg15623Ter (NM_133432.3); c.47068A>T, p.Arg15690Ter (NM_133437.4); short protein forms R22922*, R24563*, R15690*, R21995*, R15623*, R15498*.
Identifiers: ClinVar variation 2131883 (VCV002131883.4), dbSNP rs2468537034, ClinGen allele CA349637558.
Genomic context (GRCh38, chr2:178,572,445, plus strand): 5'-GCTGGTCTACCTTCCAGGAAGTCTTGTGGCAGTTTGTTGCAACAGTTGAATATGCTTTTC[T>A]TGTTGATTCCCGCTTTTCAACAATATAGTTCTTGATTTTTGAACCTCCATCAAGGAGAGG-3'